The following is an entry in ClinVar:

NM_201384.3(PLEC):c.7696G>A (p.Val2566Met)

Gene: PLEC (plectin; minus strand). Cytogenetic location: 8q24.3.
Variant type: single nucleotide variant.
Coding change: c.7696G>A on transcript NM_201384.3 (MANE Select); coding-DNA position 7696, G replaced by A.
Protein change: p.Val2566Met; replaces valine 2566 with methionine.
Molecular consequence: missense variant.
Genome position (GRCh38, 1-based): chr8:143,922,125, C>T on the plus strand (G>A on the coding strand, the complement: PLEC is on the minus strand). VCF-style: chr8-143922125-C-T. GRCh37 (hg19) VCF-style: chr8-144996293-C-T.
Other names: c.7777G>A, p.Val2593Met (NM_000445.5); c.7654G>A, p.Val2552Met (NM_201378.4); c.7630G>A, p.Val2544Met (NM_201379.3); c.8107G>A, p.Val2703Met (NM_201380.4); c.7600G>A, p.Val2534Met (NM_201381.3); c.7696G>A, p.Val2566Met (NM_201382.4); c.7708G>A, p.Val2570Met (NM_201383.3); short protein forms V2534M, V2544M, V2552M, V2566M, V2570M, V2593M, V2703M.
Identifiers: ClinVar variation 451333 (VCV000451333.11), dbSNP rs782743395, ClinGen allele CA4925542.

ClinVar aggregate classification (germline): Uncertain significance. Review status: criteria provided, multiple submitters, no conflicts (2 of 4 stars). 5 submissions from 5 submitters: Uncertain significance (5). Last evaluated 2026-06-16.

Conditions:
PLEC-related disorder. Also called: PLEC-related disorders; PLEC-related condition.
Inborn genetic diseases. Identifiers: MedGen C0950123, MeSH D030342.
Autosomal recessive limb-girdle muscular dystrophy type 2Q (LGMDR17). Also called: MUSCULAR DYSTROPHY, LIMB-GIRDLE, AUTOSOMAL RECESSIVE 17. Identifiers: Orphanet 254361, MedGen C3150989, MONDO:0013390, OMIM 613723.
Epidermolysis bullosa simplex with nail dystrophy (EBS5D). Identifiers: MedGen C4225309, MONDO:0014661, OMIM 616487.
Epidermolysis bullosa simplex 5C, with pyloric atresia (EBS5C). Also called: PLEC-Related Epidermolysis Bullosa with Pyloric Atresia; Epidermolysis bullosa simplex with pyloric atresia; PLEC1-Related Epidermolysis Bullosa with Pyloric Atresia. Identifiers: Orphanet 158684, MedGen C2677349, MONDO:0012807, OMIM 612138.
Epidermolysis bullosa simplex, Ogna type (EBS5A). Also called: Pidermolysis bullosa simplex 5A, Ogna type; EPIDERMOLYSIS BULLOSA SIMPLEX 5A, OGNA TYPE. Identifiers: Orphanet 79401, MedGen C0432317, MONDO:0007555, OMIM 131950.
Epidermolysis bullosa simplex 5B, with muscular dystrophy (EBS5B). Also called: EPIDERMOLYSIS BULLOSA SIMPLEX AND LIMB-GIRDLE MUSCULAR DYSTROPHY; Epidermolysis bullosa simplex with muscular dystrophy. Identifiers: Orphanet 257, MedGen C2931072, MONDO:0009181, OMIM 226670.

Allele frequency attached by ClinVar (database versions not stated): gnomAD exomes 0.00004 and 0.00007; gnomAD 0.00005 and 0.00006; TOPMed 0.00005; ExAC 0.00006.
gnomAD v4.1: 59 of 1,542,322 alleles (0.0038%); highest among the groups gnomAD compares: Admixed American, 0.0078%; no homozygotes.

Submissions (5):

PreventionGenetics, part of Exact Sciences
Classification: Uncertain significance for PLEC-related condition. Last evaluated: 2026-06-16. Review status: criteria provided, single submitter. Criteria: ACMG Guidelines, 2015. Collection method: clinical testing. Allele origin: germline.
Comment: The PLEC c.7777G>A variant is predicted to result in the amino acid substitution p.Val2593Met. To our knowledge, this variant has not been reported in the literature. This variant is reported in 0.016% of alleles in individuals of Latino descent in gnomAD. At this time, the clinical significance of this variant is uncertain due to the absence of conclusive functional and genetic evidence.

Labcorp Genetics (formerly Invitae), Labcorp
Classification: Uncertain significance for Autosomal recessive limb-girdle muscular dystrophy type 2Q; Epidermolysis bullosa simplex, Ogna type; Epidermolysis bullosa simplex with nail dystrophy; Epidermolysis bullosa simplex 5C, with pyloric atresia; Epidermolysis bullosa simplex 5B, with muscular dystrophy. Last evaluated: 2025-09-25. Review status: criteria provided, single submitter. Criteria: Invitae Variant Classification Sherloc (09022015). Collection method: clinical testing. Allele origin: germline.
Comment: This sequence change replaces valine, which is neutral and non-polar, with methionine, which is neutral and non-polar, at codon 2593 of the PLEC protein (p.Val2593Met). This variant is present in population databases (rs782743395, gnomAD 0.02%). This variant has not been reported in the literature in individuals affected with PLEC-related conditions. ClinVar contains an entry for this variant (Variation ID: 451333). Invitae Evidence Modeling of protein sequence and biophysical properties (such as structural, functional, and spatial information, amino acid conservation, physicochemical variation, residue mobility, and thermodynamic stability) indicates that this missense variant is not expected to disrupt PLEC protein function with a negative predictive value of 80%. In summary, the available evidence is currently insufficient to determine the role of this variant in disease. Therefore, it has been classified as a Variant of Uncertain Significance.

Ambry Genetics
Classification: Uncertain significance for Inborn genetic diseases. Last evaluated: 2025-01-10. Review status: criteria provided, single submitter. Criteria: Ambry Variant Classification Scheme 2023. Collection method: clinical testing. Allele origin: germline.

Revvity Omics, Revvity
Classification: Uncertain significance. Last evaluated: 2020-06-14. Review status: criteria provided, single submitter. Criteria: ACMG Guidelines, 2015. Collection method: clinical testing. Allele origin: germline.

GeneDx
Classification: Uncertain significance. Last evaluated: 2017-08-18. Review status: criteria provided, single submitter. Criteria: GeneDx Variant Classification (06012015). Collection method: clinical testing. Allele origin: germline. Affected: yes.
Comment: The V2593M variant has not been published as a pathogenic variant, nor has it been reported as a benign variant to our knowledge. The V2593M variant is not observed at a significant frequency in large population cohorts (Lek et al., 2016; 1000 Genomes Consortium et al., 2015; Exome Variant Server). This variant is a conservative amino acid substitution, which is not likely to impact secondary protein structure as these residues share similar properties. This substitution occurs at a position where amino acids with similar properties to Valine are tolerated across species. In silico analysis is inconsistent in its predictions as to whether or not the variant is damaging to the protein structure/function.